The following is an entry in ClinVar:

NM_003482.4(KMT2D):c.9051T>C (p.Asp3017=)

Gene: KMT2D (lysine methyltransferase 2D; minus strand). Cytogenetic location: 12q13.12.
Variant type: single nucleotide variant.
Coding change: c.9051T>C on transcript NM_003482.4 (MANE Select); coding-DNA position 9051, T replaced by C.
Protein change: p.Asp3017=; no amino-acid change (aspartic acid 3017 retained).
Molecular consequence: synonymous variant.
Genome position (GRCh38, 1-based): chr12:49,038,305, A>G on the plus strand (T>C on the coding strand, the complement: KMT2D is on the minus strand). VCF-style: chr12-49038305-A-G. GRCh37 (hg19) VCF-style: chr12-49432088-A-G.
Other names: c.9051T>C (NM_003482.3).
Identifiers: ClinVar variation 1659460 (VCV001659460.11), dbSNP rs367710579, ClinGen allele CA6546750.
Genomic context (GRCh38, chr12:49,038,305, plus strand): 5'-GTGGGGGTCATTGGTCTCCAGGTTTTCTAAGGTGCCAAGTTCATCATCACCCTTGGCCAC[A>G]TCCACACCCAGACCCAGGTGAGCAAGCTCTTCATCATCCTCTAGGGCCTTGTGGGCATCA-3'
Protein context (NP_003473.3, residues 3007-3027): EELAHLGLGV[Asp3017=]VAKGDDELGT

ClinVar aggregate classification (germline): Likely benign. Review status: criteria provided, multiple submitters, no conflicts (2 of 4 stars). 3 submissions from 3 submitters: Likely benign (2). 1 of the submissions does not count toward it. Last evaluated 2025-10-07.

Conditions:
Kabuki syndrome. Also called: NIIKAWA-KUROKI SYNDROME; Kabuki make-up syndrome. Identifiers: Orphanet 2322, MedGen C0796004, MONDO:0016512.
KMT2D-related disorder. Also called: KMT2D-Related Disorders.

Allele frequency attached by ClinVar (database versions not stated): ExAC 0.00001; gnomAD 0.00001; gnomAD exomes 0.00001; TOPMed 0.00001; ESP Exome Variant Server 0.00008.

Submissions (3):

Labcorp Genetics (formerly Invitae), Labcorp
Classification: Likely benign for Kabuki syndrome. Last evaluated: 2025-10-07. Review status: criteria provided, single submitter. Criteria: Invitae Variant Classification Sherloc (09022015). Collection method: clinical testing. Allele origin: germline.

Blueprint Genetics
Classification: Likely benign. Last evaluated: 2023-11-14. Review status: criteria provided, single submitter. Criteria: ACMG Guidelines, 2015. Collection method: clinical testing. Allele origin: germline.

PreventionGenetics, part of Exact Sciences
Classification: Likely benign for KMT2D-related condition. Last evaluated: 2021-12-30. Review status: no assertion criteria provided. Collection method: clinical testing. Allele origin: germline. Not counted in ClinVar's aggregate classification.
Comment: This variant is classified as likely benign based on ACMG/AMP sequence variant interpretation guidelines (Richards et al. 2015 PMID: 25741868, with internal and published modifications).